The following is an entry in ClinVar:

ClinVar aggregate classification (germline): Pathogenic. Review status: criteria provided, multiple submitters, no conflicts (2 of 4 stars). 4 submissions from 4 submitters: Pathogenic (3). 1 of the submissions does not count toward it. Last evaluated 2023-11-15.

Conditions:
Hereditary breast ovarian cancer syndrome. Also called: Hereditary breast and ovarian cancer; Hereditary breast and/or ovarian cancer syndrome; Hereditary breast and ovarian cancer syndrome; Hereditary breast and ovarian cancer syndrome (HBOC); Breast and ovarian cancer; BRCA1- and BRCA2-Associated Hereditary Breast and Ovarian Cancer. Identifiers: Orphanet 145, MedGen C0677776, MeSH D061325, MONDO:0003582. Disease mechanism: loss of function.
Breast-ovarian cancer, familial, susceptibility to, 2 (BROVCA2). Also called: BRCA2 Hereditary Breast and Ovarian Cancer. Identifiers: Orphanet 145, MedGen C2675520, MONDO:0012933, OMIM 612555. Disease mechanism: loss of function.

Submissions (4):

Labcorp Genetics (formerly Invitae), Labcorp
Classification: Pathogenic for Hereditary breast ovarian cancer syndrome. Last evaluated: 2023-11-15. Review status: criteria provided, single submitter. Criteria: Invitae Variant Classification Sherloc (09022015). Collection method: clinical testing. Allele origin: germline.
Comment: This sequence change creates a premature translational stop signal (p.Gly162Phefs*7) in the BRCA2 gene. It is expected to result in an absent or disrupted protein product. Loss-of-function variants in BRCA2 are known to be pathogenic (PMID: 20104584). This variant is not present in population databases (gnomAD no frequency). This premature translational stop signal has been observed in individual(s) with Fanconi Anemia (PMID: 25583207). ClinVar contains an entry for this variant (Variation ID: 988513). For these reasons, this variant has been classified as Pathogenic.

Clinical Genetics Laboratory, Skane University Hospital Lund
Classification: Pathogenic. Last evaluated: 2023-06-26. Review status: criteria provided, single submitter. Criteria: ACMG Guidelines, 2015. Collection method: clinical testing. Allele origin: germline. Affected: yes.

Clinical Genetics and Genomics, Karolinska University Hospital
Classification: Pathogenic. Last evaluated: 2015-01-08. Review status: criteria provided, single submitter. Criteria: ACMG Guidelines, 2015. Collection method: clinical testing. Allele origin: germline. Affected: yes. Observed: 10 variant alleles.

BRCAlab, Lund University
Classification: Pathogenic for Breast-ovarian cancer, familial, susceptibility to, 2. Last evaluated: 2020-03-02. Review status: no assertion criteria provided. Collection method: clinical testing. Allele origin: germline. Affected: yes. Not counted in ClinVar's aggregate classification.

Literature cited by the submitters: PubMed 20104584 (cited by Labcorp Genetics (formerly Invitae), Labcorp); PubMed 25583207 (cited by Labcorp Genetics (formerly Invitae), Labcorp).

NM_000059.4(BRCA2):c.480_489del (p.Gly162fs)

Gene: BRCA2 (BRCA2 DNA repair associated; plus strand). Cytogenetic location: 13q13.1.
Variant type: Deletion.
Coding change: c.480_489del on transcript NM_000059.4 (MANE Select); coding-DNA positions 480 to 489, 10 bases deleted (ATGTGGGAGT; older notation c.480_489delATGTGGGAGT).
Protein change: p.Gly162fs; shifts the reading frame from glycine 162.
Molecular consequence: frameshift variant.
Genome position (GRCh38, 1-based): chr13:32,326,246-32,326,255, ATGTGGGAGT deleted; deleting any 10 consecutive bases within chr13:32,326,244-32,326,255 gives the same sequence; the c. name uses the placement nearest the transcript's 3' end. VCF-style (leftmost placement, unchanged base first): chr13-32326243-GGTATGTGGGA-G. GRCh37 (hg19) VCF-style: chr13-32900380-GGTATGTGGGA-G.
Other names: short protein forms G162fs.
Identifiers: ClinVar variation 988513 (VCV000988513.5), dbSNP rs2072346061, ClinGen allele CA1139663061.
Genomic context (GRCh38, chr13:32,326,243, plus strand): 5'-AATACTAGAAATGTTAATAAAAATAAAACTTAACAATTTTCCCCTTTTTTTACCCCCAGT[GGTATGTGGGA>G]GTTTGTTTCATACACCAAAGTTTGTGAAGGTAAATATTCTACCTGGTTTATTTTTATGAC-3'